The following is an entry in ClinVar:

ClinVar aggregate classification (germline): Uncertain significance (1 of 4 stars; one submission).

Conditions:
Inborn genetic diseases. Identifiers: MedGen C0950123, MeSH D030342.

Allele frequency attached by ClinVar (database versions not stated): gnomAD exomes below 0.00001; TOPMed below 0.00001.
gnomAD v4.1: 1 of 1,613,564 alleles (0.000062%); highest among the groups gnomAD compares: Non-Finnish European, 0.000085%; no homozygotes.

Submission:

Ambry Genetics
Classification: Uncertain significance for Inborn genetic diseases. Last evaluated: 2023-09-07. Review status: criteria provided, single submitter. Criteria: Ambry Variant Classification Scheme 2023. Collection method: clinical testing. Allele origin: germline.
Comment: The p.F676L variant (also known as c.2026T>C), located in coding exon 17 of the LRRK2 gene, results from a T to C substitution at nucleotide position 2026. The phenylalanine at codon 676 is replaced by leucine, an amino acid with highly similar properties. This amino acid position is conserved. In addition, this alteration is predicted to be deleterious by in silico analysis. Since supporting evidence is limited at this time, the clinical significance of this alteration remains unclear.

NM_198578.4(LRRK2):c.2026T>C (p.Phe676Leu)

Gene: LRRK2 (leucine rich repeat kinase 2; plus strand). Cytogenetic location: 12q12.
Variant type: single nucleotide variant.
Coding change: c.2026T>C on transcript NM_198578.4 (MANE Select); coding-DNA position 2026, T replaced by C.
Protein change: p.Phe676Leu; replaces phenylalanine 676 with leucine.
Molecular consequence: missense variant.
Genome position (GRCh38, 1-based): chr12:40,277,972, T>C. VCF-style: chr12-40277972-T-C. GRCh37 (hg19) VCF-style: chr12-40671774-T-C.
Other names: short protein forms F676L.
Identifiers: ClinVar variation 2587307 (VCV002587307.2), dbSNP rs1438627316, ClinGen allele CA384404607.